The following is an entry in ClinVar:

NM_001378120.1(MBD5):c.1240C>T (p.Pro414Ser)

Gene: MBD5 (methyl-CpG binding domain protein 5; plus strand). Cytogenetic location: 2q23.1.
Variant type: single nucleotide variant.
Coding change: c.1240C>T on transcript NM_001378120.1 (MANE Select); coding-DNA position 1240, C replaced by T.
Protein change: p.Pro414Ser; replaces proline 414 with serine.
Molecular consequence: missense variant.
Genome position (GRCh38, 1-based): chr2:148,469,183, C>T. VCF-style: chr2-148469183-C-T. GRCh37 (hg19) VCF-style: chr2-149226752-C-T.
Other names: c.1240C>T, p.Pro414Ser (NM_018328.5); short protein forms P414S.
Identifiers: ClinVar variation 3678310 (VCV003678310.2).

ClinVar aggregate classification (germline): Uncertain significance (1 of 4 stars; one submission).

Conditions:
Intellectual developmental disorder, autosomal dominant 1. Also called: MBD5 Haploinsufficiency; Intellectual disability, autosomal dominant 1. Identifiers: Orphanet 228402, MedGen C1969562, MONDO:0007974, OMIM 156200.

gnomAD v4.1: 2 of 1,614,052 alleles (0.00012%); highest among the groups gnomAD compares: East Asian, 0.0022%; no homozygotes.

Submission:

Labcorp Genetics (formerly Invitae), Labcorp
Classification: Uncertain significance for Intellectual developmental disorder, autosomal dominant 1. Last evaluated: 2024-12-17. Review status: criteria provided, single submitter. Criteria: Invitae Variant Classification Sherloc (09022015). Collection method: clinical testing. Allele origin: germline.
Comment: This sequence change replaces proline, which is neutral and non-polar, with serine, which is neutral and polar, at codon 414 of the MBD5 protein (p.Pro414Ser). This variant is present in population databases (no rsID available, gnomAD 0.006%). This variant has not been reported in the literature in individuals affected with MBD5-related conditions. Invitae Evidence Modeling of protein sequence and biophysical properties (such as structural, functional, and spatial information, amino acid conservation, physicochemical variation, residue mobility, and thermodynamic stability) indicates that this missense variant is not expected to disrupt MBD5 protein function with a negative predictive value of 80%. In summary, the available evidence is currently insufficient to determine the role of this variant in disease. Therefore, it has been classified as a Variant of Uncertain Significance.